The following is an entry in ClinVar:

ClinVar aggregate classification (germline): Uncertain significance (1 of 4 stars; one submission).

Conditions:
Hypertrophic cardiomyopathy. Also called: HYPERTROPHIC MYOCARDIOPATHY. Identifiers: Orphanet 217569, MedGen C0007194, MeSH D002312, MONDO:0005045, HP:0001639.

Submission:

Labcorp Genetics (formerly Invitae), Labcorp
Classification: Uncertain significance for Hypertrophic cardiomyopathy. Last evaluated: 2023-08-17. Review status: criteria provided, single submitter. Criteria: Invitae Variant Classification Sherloc (09022015). Collection method: clinical testing. Allele origin: germline.
Comment: This sequence change falls in intron 8 of the TPM1 gene. It does not directly change the encoded amino acid sequence of the TPM1 protein. This variant is not present in population databases (gnomAD no frequency). This variant has not been reported in the literature in individuals affected with TPM1-related conditions. Experimental studies and prediction algorithms are not available or were not evaluated, and the effect of this variant on mRNA splicing is currently unknown. In summary, the available evidence is currently insufficient to determine the role of this variant in disease. Therefore, it has been classified as a Variant of Uncertain Significance.

NM_001018005.2(TPM1):c.772+10_772+11insTTTTTTTTTTTTTTTTTTTTNNNNNNNNNNAAATGCCTACAAGAGAAAGCAGGAAAGATCCAAAATTGACACCCTAACATCACAATTAAAAGAACTAGAAGGTAAGATCTT

Gene: TPM1 (tropomyosin 1; plus strand). Cytogenetic location: 15q22.2.
Variant type: Insertion.
Coding change: c.772+10_772+11insTTTTTTTTTTTTTTTTTTTTNNNNNNNNNNAAATGCCTACAAGAGAAAGCAGGAAAGATCCAAAATTGACACCCTAACATCACAATTAAAAGAACTAGAAGGTAAGATCTT on transcript NM_001018005.2 (MANE Select); bases 10 to 11 of the intron after coding-DNA position 772, TTTTTTTTTTTTTTTTTTTTNNNNNNNNNNAAATGCCTACAAGAGAAAGCAGGAAAGATCCAAAATTGACACCCTAACATCACAATTAAAAGAACTAGAAGGTAAGATCTT inserted.
Molecular consequence: splice donor variant. On other transcripts: inframe insertion (3), non-coding transcript variant (1).
Genome position: GRCh38: chr15:63,062,655-63,062,656. GRCh37 (hg19): chr15:63,354,854-63,354,855.
Other names: c.782_783insTTTTTTTTTTTTTTTTTTTTNNNNNNNNNNAAATGCCTACAAGAGAAAGCAGGAAAGATCCAAAATTGACACCCTAACATCACAATTAAAAGAACTAGAAGGTAAGATCTT, p.Ile260_Leu261insPhePhePhePhePhePhePheXaaXaaXaaXaaAsnAlaTyrLysArgLysGlnGluArgSerLysIleAspThrLeuThrSerGlnLeuLysGluLeuGluGlyLysIle (NM_001407325.1); c.674_675insTTTTTTTTTTTTTTTTTTTTNNNNNNNNNNAAATGCCTACAAGAGAAAGCAGGAAAGATCCAAAATTGACACCCTAACATCACAATTAAAAGAACTAGAAGGTAAGATCTT, p.Ile224_Leu225insPhePhePhePhePhePhePheXaaXaaXaaXaaAsnAlaTyrLysArgLysGlnGluArgSerLysIleAspThrLeuThrSerGlnLeuLysGluLeuGluGlyLysIle (NM_001407340.1, NM_001407341.1); c.898+10_898+11insTTTTTTTTTTTTTTTTTTTTNNNNNNNNNNAAATGCCTACAAGAGAAAGCAGGAAAGATCCAAAATTGACACCCTAACATCACAATTAAAAGAACTAGAAGGTAAGATCTT (NM_001365778.1, NM_001407323.1, NM_001407322.1 and 1 more transcripts); c.772+10_772+11insTTTTTTTTTTTTTTTTTTTTNNNNNNNNNNAAATGCCTACAAGAGAAAGCAGGAAAGATCCAAAATTGACACCCTAACATCACAATTAAAAGAACTAGAAGGTAAGATCTT (NM_001407336.1, NM_001018020.2, NM_001407338.1 and 19 more transcripts); c.664+10_664+11insTTTTTTTTTTTTTTTTTTTTNNNNNNNNNNAAATGCCTACAAGAGAAAGCAGGAAAGATCCAAAATTGACACCCTAACATCACAATTAAAAGAACTAGAAGGTAAGATCTT (NM_001330351.2, NM_001330344.2, NM_001018008.2 and 7 more transcripts).
Identifiers: ClinVar variation 2753646 (VCV002753646.3), dbSNP rs2542851707.